The following is an entry in ClinVar:

NM_004523.4(KIF11):c.2018del (p.Lys673fs)

Gene: KIF11 (kinesin family member 11; plus strand). Cytogenetic location: 10q23.33.
Variant type: Deletion.
Coding change: c.2018del on transcript NM_004523.4 (MANE Select); coding-DNA position 2018, one base deleted (A; older notation c.2018delA).
Protein change: p.Lys673fs; shifts the reading frame from lysine 673.
Molecular consequence: frameshift variant.
Genome position (GRCh38, 1-based): chr10:92,637,403, A deleted; the last of 7 consecutive A bases (chr10:92,637,397-92,637,403); deleting any one gives the same sequence. VCF-style (leftmost placement, unchanged base first): chr10-92637396-CA-C. GRCh37 (hg19) VCF-style: chr10-94397153-CA-C.
Other names: short protein forms K673fs.
Identifiers: ClinVar variation 817966 (VCV000817966.5), dbSNP rs1589604288, ClinGen allele CA645558206.

ClinVar aggregate classification (germline): Pathogenic. Review status: criteria provided, multiple submitters, no conflicts (2 of 4 stars). 2 submissions from 2 submitters: Pathogenic (2). Last evaluated 2022-09-21.

Submissions (2):

Labcorp Genetics (formerly Invitae), Labcorp
Classification: Pathogenic. Last evaluated: 2022-09-21. Review status: criteria provided, single submitter. Criteria: Invitae Variant Classification Sherloc (09022015). Collection method: clinical testing. Allele origin: germline.
Comment: This sequence change creates a premature translational stop signal (p.Lys673Argfs*3) in the KIF11 gene. It is expected to result in an absent or disrupted protein product. Loss-of-function variants in KIF11 are known to be pathogenic (PMID: 22284827, 24281367). This variant is not present in population databases (gnomAD no frequency). This variant has not been reported in the literature in individuals affected with KIF11-related conditions. For these reasons, this variant has been classified as Pathogenic.

GeneDx
Classification: Pathogenic. Last evaluated: 2019-01-03. Review status: criteria provided, single submitter. Criteria: GeneDx Variant Classification (06012015). Collection method: clinical testing. Allele origin: germline. Affected: yes.
Comment: The c.2018delA pathogenic variant in the KIF11 gene causes a frameshift starting with codon Lysine 673, changes this amino acid to an Arginine residue and creates a premature Stop codon at position 3 of the new reading frame, denoted p.Lys673ArgfsX3. This pathogenic variant is predicted to cause loss of normal protein function either through protein truncation or nonsense-mediated mRNA decay. The c.2018delA variant is not observed in large population cohorts (Lek et al., 2016).

Literature cited by the submitters: PubMed 22284827 (cited by Labcorp Genetics (formerly Invitae), Labcorp); PubMed 24281367 (cited by Labcorp Genetics (formerly Invitae), Labcorp).